The following is an entry in ClinVar:

NM_001375524.1(TRRAP):c.6701C>T (p.Pro2234Leu)

Gene: TRRAP (transformation/transcription domain associated protein; plus strand). Cytogenetic location: 7q22.1.
Variant type: single nucleotide variant.
Coding change: c.6701C>T on transcript NM_001375524.1 (MANE Select); coding-DNA position 6701, C replaced by T.
Protein change: p.Pro2234Leu; replaces proline 2234 with leucine.
Molecular consequence: missense variant.
Genome position (GRCh38, 1-based): chr7:98,961,472, C>T. VCF-style: chr7-98961472-C-T. GRCh37 (hg19) VCF-style: chr7-98559095-C-T.
Other names: c.6626C>T (NM_003496.3); c.6680C>T, p.Pro2227Leu (NM_001244580.2); c.6626C>T, p.Pro2209Leu (NM_003496.4); short protein forms P2227L, P2234L, P2209L.
Identifiers: ClinVar variation 2008906 (VCV002008906.5), dbSNP rs570799473, ClinGen allele CA4360935.

ClinVar aggregate classification (germline): Uncertain significance. Review status: criteria provided, multiple submitters, no conflicts (2 of 4 stars). 2 submissions from 2 submitters: Uncertain significance (2). Last evaluated 2024-11-21.

gnomAD v4.1: 8 of 1,613,934 alleles (0.0005%); highest among the groups gnomAD compares: East Asian, 0.0022%; no homozygotes.

Submissions (2):

GeneDx
Classification: Uncertain significance. Last evaluated: 2024-11-21. Review status: criteria provided, single submitter. Criteria: GeneDx Variant Classification Process June 2021. Collection method: clinical testing. Allele origin: germline. Affected: yes.
Comment: Not observed at significant frequency in large population cohorts (gnomAD); however, the variant was observed in at least one heterozygous clinically unaffected adult relative of an individual referred for genetic testing at GeneDx; In silico analysis supports that this missense variant has a deleterious effect on protein structure/function; Has not been previously published as pathogenic or benign to our knowledge

Labcorp Genetics (formerly Invitae), Labcorp
Classification: Uncertain significance. Last evaluated: 2022-10-06. Review status: criteria provided, single submitter. Criteria: Invitae Variant Classification Sherloc (09022015). Collection method: clinical testing. Allele origin: germline.
Comment: This sequence change replaces proline, which is neutral and non-polar, with leucine, which is neutral and non-polar, at codon 2209 of the TRRAP protein (p.Pro2209Leu). This variant is not present in population databases (gnomAD no frequency). This variant has not been reported in the literature in individuals affected with TRRAP-related conditions. Algorithms developed to predict the effect of missense changes on protein structure and function (SIFT, PolyPhen-2, Align-GVGD) all suggest that this variant is likely to be tolerated. In summary, the available evidence is currently insufficient to determine the role of this variant in disease. Therefore, it has been classified as a Variant of Uncertain Significance.